The following is an entry in ClinVar:

NM_004281.4(BAG3):c.271C>T (p.Pro91Ser)

Gene: BAG3 (BAG cochaperone 3; plus strand). Cytogenetic location: 10q26.11.
Variant type: single nucleotide variant.
Coding change: c.271C>T on transcript NM_004281.4 (MANE Select); coding-DNA position 271, C replaced by T.
Protein change: p.Pro91Ser; replaces proline 91 with serine.
Molecular consequence: missense variant.
Genome position (GRCh38, 1-based): chr10:119,669,941, C>T. VCF-style: chr10-119669941-C-T. GRCh37 (hg19) VCF-style: chr10-121429453-C-T.
Other names: short protein forms P91S.
Identifiers: ClinVar variation 2185740 (VCV002185740.3), dbSNP rs2494009186, ClinGen allele CA378294764.
Genomic context (GRCh38, chr10:119,669,941, plus strand): 5'-CGGGAGGGCTCTAGGCTGCCGCCTGCTAGGGAAGGCCACCCTGTGTACCCCCAGCTCCGA[C>T]CAGGCTACATTCCCATTCCTGTGCTCCATGAAGGCGCTGAGAACCGGCAGGTGCACCCTT-3'
Protein context (NP_004272.2, residues 81-101): EGHPVYPQLR[Pro91Ser]GYIPIPVLHE

ClinVar aggregate classification (germline): Uncertain significance (1 of 4 stars; one submission).

Conditions:
Myofibrillar myopathy 6. Identifiers: Orphanet 199340, MedGen C2751831, MONDO:0013061, OMIM 612954.
Dilated cardiomyopathy 1HH (CMD1HH). Identifiers: Orphanet 154, MedGen C3151293, MONDO:0013479, OMIM 613881.

Allele frequency attached by ClinVar (database versions not stated): gnomAD exomes below 0.00001.

Submission:

Labcorp Genetics (formerly Invitae), Labcorp
Classification: Uncertain significance for Dilated cardiomyopathy 1HH; Myofibrillar myopathy 6. Last evaluated: 2023-07-03. Review status: criteria provided, single submitter. Criteria: Invitae Variant Classification Sherloc (09022015). Collection method: clinical testing. Allele origin: germline.
Comment: Advanced modeling of protein sequence and biophysical properties (such as structural, functional, and spatial information, amino acid conservation, physicochemical variation, residue mobility, and thermodynamic stability) performed at Invitae indicates that this missense variant is not expected to disrupt BAG3 protein function. ClinVar contains an entry for this variant (Variation ID: 2185740). This variant has not been reported in the literature in individuals affected with BAG3-related conditions. This variant is not present in population databases (gnomAD no frequency). This sequence change replaces proline, which is neutral and non-polar, with serine, which is neutral and polar, at codon 91 of the BAG3 protein (p.Pro91Ser). In summary, the available evidence is currently insufficient to determine the role of this variant in disease. Therefore, it has been classified as a Variant of Uncertain Significance.